The following is an entry in ClinVar:

ClinVar aggregate classification (germline): Uncertain significance (1 of 4 stars; one submission).

Conditions:
Hereditary cancer-predisposing syndrome. Also called: Neoplastic Syndromes, Hereditary; Tumor predisposition; Hereditary Cancer Syndrome; Hereditary neoplastic syndrome. Identifiers: Orphanet 140162, MedGen C0027672, MeSH D009386, MONDO:0015356.

Submission:

Ambry Genetics
Classification: Uncertain significance for Hereditary cancer-predisposing syndrome. Last evaluated: 2024-10-28. Review status: criteria provided, single submitter. Criteria: Ambry Variant Classification Scheme 2023. Collection method: clinical testing. Allele origin: germline.
Comment: The p.D144N variant (also known as c.430G>A), located in coding exon 3 of the NTHL1 gene, results from a G to A substitution at nucleotide position 430. The aspartic acid at codon 144 is replaced by asparagine, an amino acid with highly similar properties. This amino acid position is highly conserved in available vertebrate species. In addition, the in silico prediction for this alteration is inconclusive. Based on the available evidence, the clinical significance of this variant remains unclear.

NM_002528.7(NTHL1):c.406G>A (p.Asp136Asn)

Gene: NTHL1 (nth like DNA glycosylase 1; minus strand). Cytogenetic location: 16p13.3.
Variant type: single nucleotide variant.
Coding change: c.406G>A on transcript NM_002528.7 (MANE Select); coding-DNA position 406, G replaced by A.
Protein change: p.Asp136Asn; replaces aspartic acid 136 with asparagine.
Molecular consequence: missense variant. On other transcripts: intron variant (1).
Genome position (GRCh38, 1-based): chr16:2,044,749, C>T on the plus strand (G>A on the coding strand, the complement: NTHL1 is on the minus strand). VCF-style: chr16-2044749-C-T. GRCh37 (hg19) VCF-style: chr16-2094750-C-T.
Other names: c.76G>A, p.Asp26Asn (NM_001318194.2); c.355-1023G>A (NM_001318193.2); short protein forms D136N, D26N.
Identifiers: ClinVar variation 3408221 (VCV003408221.1).
Genomic context (GRCh38, chr16:2,044,749, plus strand): 5'-TGCTGTCCACCGTCAGGCCCCGCGCCCGCAGTCGCTGCATGGCGCCCGCCGTCACCTGGT[C>T]TTTGGTTTGGCTGGAGAGCATCAGTGACAGCAGCACCTGGTACCTGCGTACCTGCTTGTG-3'
Protein context (NP_002519.2, residues 126-146): LSLMLSSQTK[Asp136Asn]QVTAGAMQRL